The following is an entry in ClinVar:

NM_001323572.2(CCP110):c.756C>G (p.Ile252Met)

Gene: CCP110 (centriolar coiled-coil protein 110; plus strand). Cytogenetic location: 16p12.3.
Variant type: single nucleotide variant.
Coding change: c.756C>G on transcript NM_001323572.2 (MANE Select); coding-DNA position 756, C replaced by G.
Protein change: p.Ile252Met; replaces isoleucine 252 with methionine.
Molecular consequence: missense variant.
Genome position (GRCh38, 1-based): chr16:19,536,425, C>G. VCF-style: chr16-19536425-C-G. GRCh37 (hg19) VCF-style: chr16-19547747-C-G.
Other names: c.756C>G, p.Ile252Met (NM_001199022.3, NM_001323569.2, NM_001323570.2 and 4 more transcripts); short protein forms I252M.
Identifiers: ClinVar variation 402512 (VCV000402512.5), dbSNP rs226891, ClinGen allele CA7935339.

ClinVar aggregate classification (germline): Benign. Review status: criteria provided, multiple submitters, no conflicts (2 of 4 stars). 2 submissions from 2 submitters: Benign (2). Last evaluated 2016-03-28.

Allele frequency attached by ClinVar (database versions not stated): 1000 Genomes Project 0.82808; 1000 Genomes Project 30x 0.83479; ExAC 0.86814; gnomAD exomes 0.86865 and 0.89576; gnomAD 0.90734 and 0.91837; TOPMed 0.91208; ESP Exome Variant Server 0.92758.
gnomAD v4.1: 1,446,527 of 1,613,540 alleles (90%); highest among the groups gnomAD compares: African/African-American, 95%; 651,781 homozygotes.

Submissions (2):

Laboratory for Molecular Medicine, Mass General Brigham Personalized Medicine
Classification: Benign. Last evaluated: 2016-03-28. Review status: criteria provided, single submitter. Criteria: LMM Criteria. Collection method: clinical testing. Allele origin: germline.
Comment: Variant identified in a genome or exome case(s) and assessed due to predicted null impact of the variant or pathogenic assertions in the literature or databases. Disclaimer: This variant has not undergone full assessment. The following are preliminary notes: Frequency

Breakthrough Genomics
Classification: Benign. Review status: criteria provided, single submitter. Criteria: ACMG Guidelines, 2015. Collection method: not provided. Allele origin: germline. Inheritance: Unknown mechanism. Affected: yes.